The following is an entry in ClinVar:

NM_006311.4(NCOR1):c.2745C>T (p.Leu915=)

Gene: NCOR1 (nuclear receptor corepressor 1; minus strand). Cytogenetic location: 17p12.
Variant type: single nucleotide variant.
Coding change: c.2745C>T on transcript NM_006311.4 (MANE Select); coding-DNA position 2745, C replaced by T.
Protein change: p.Leu915=; no amino-acid change (leucine 915 retained).
Molecular consequence: synonymous variant.
Genome position (GRCh38, 1-based): chr17:16,098,442, G>A on the plus strand (C>T on the coding strand, the complement: NCOR1 is on the minus strand). VCF-style: chr17-16098442-G-A. GRCh37 (hg19) VCF-style: chr17-16001756-G-A.
Other names: c.2466C>T, p.Leu822= (NM_001190438.2); c.2793C>T, p.Leu931= (NM_001190440.2).
Identifiers: ClinVar variation 777135 (VCV000777135.7), dbSNP rs79413281, ClinGen allele CA8408947.

ClinVar aggregate classification (germline): Benign. Review status: criteria provided, multiple submitters, no conflicts (2 of 4 stars). 3 submissions from 3 submitters: Benign (2). 1 of the submissions does not count toward it. Last evaluated 2019-12-31.

Conditions:
NCOR1-related disorder. Also called: NCOR1-related condition.

Allele frequency attached by ClinVar (database versions not stated): gnomAD exomes 0.00191 and 0.00499; ExAC 0.00643; gnomAD 0.01817 and 0.01925; TOPMed 0.02034; ESP Exome Variant Server 0.02045; 1000 Genomes Project 0.02177; 1000 Genomes Project 30x 0.02202.
gnomAD v4.1: 5,722 of 1,613,732 alleles (0.35%); highest among the groups gnomAD compares: African/African-American, 6.4%; 167 homozygotes.

Submissions (3):

Labcorp Genetics (formerly Invitae), Labcorp
Classification: Benign. Last evaluated: 2019-12-31. Review status: criteria provided, single submitter. Criteria: Invitae Variant Classification Sherloc (09022015). Collection method: clinical testing. Allele origin: germline.

Breakthrough Genomics
Classification: Benign. Review status: criteria provided, single submitter. Criteria: ACMG Guidelines, 2015. Collection method: not provided. Allele origin: germline. Inheritance: Unknown mechanism. Affected: yes.

PreventionGenetics, part of Exact Sciences
Classification: Benign for NCOR1-related condition. Last evaluated: 2019-05-07. Review status: no assertion criteria provided. Collection method: clinical testing. Allele origin: germline. Not counted in ClinVar's aggregate classification.
Comment: This variant is classified as benign based on ACMG/AMP sequence variant interpretation guidelines (Richards et al. 2015 PMID: 25741868, with internal and published modifications).